The following is an entry in ClinVar:

NM_001040142.2(SCN2A):c.1545AGA[2] (p.Glu518del)

Gene: SCN2A (sodium voltage-gated channel alpha subunit 2; plus strand). Cytogenetic location: 2q24.3.
Variant type: Microsatellite.
Coding change: c.1545AGA[2] on transcript NM_001040142.2 (MANE Select); two copies in a row of the 3-base unit AGA starting at c.1545; the reference has three copies in a row; one copy, 3 bases deleted.
Protein change: p.Glu518del; deletes glutamic acid 518.
Molecular consequence: inframe deletion.
Genome position (GRCh38, 1-based): chr2:165,315,638-165,315,640, AGA deleted; deleting any 3 consecutive bases within chr2:165,315,632-165,315,640 gives the same sequence; the position shown is the placement nearest the transcript's 3' end. VCF-style (leftmost placement, unchanged base first): chr2-165315631-GAGA-G. GRCh37 (hg19) VCF-style: chr2-166172141-GAGA-G.
Other names: c.1545AGA[2], p.Glu518del (NM_001040143.2, NM_001371246.1, NM_001371247.1 and 1 more transcripts); short protein forms E518del.
Identifiers: ClinVar variation 1366240 (VCV001366240.8), dbSNP rs1457091720, ClinGen allele CA429971664.
Genomic context (GRCh38, chr2:165,315,631, plus strand): 5'-CCAAAAGTGAAAAAGAGCTGAAAAACAGAAGAAAGAAAAAGAAACAGAAAGAACAGTCTG[GAGA>G]AGAAGAGAAAAATGACAGAGTCCGAAAATCGGAATCTGAAGACAGCATAAGAAGAAAAGG-3'

ClinVar aggregate classification (germline): Uncertain significance (1 of 4 stars; one submission).

Conditions:
Seizures, benign familial infantile, 3 (BFIS3). Also called: Familial neonatal seizures; CONVULSIONS, BENIGN FAMILIAL INFANTILE, 3. Identifiers: Orphanet 140927, Orphanet 306, MedGen C1843140, MONDO:0011904, OMIM 607745.
Developmental and epileptic encephalopathy, 11 (DEE11). Also called: Early infantile epileptic encephalopathy 11. Identifiers: Orphanet 1934, MedGen C3150987, MONDO:0013388, OMIM 613721.

Submission:

Labcorp Genetics (formerly Invitae), Labcorp
Classification: Uncertain significance for Seizures, benign familial infantile, 3; Developmental and epileptic encephalopathy, 11. Last evaluated: 2025-10-01. Review status: criteria provided, single submitter. Criteria: Invitae Variant Classification Sherloc (09022015). Collection method: clinical testing. Allele origin: germline.
Comment: This variant, c.1551_1553del, results in the deletion of 1 amino acid(s) of the SCN2A protein (p.Glu518del), but otherwise preserves the integrity of the reading frame. This variant is not present in population databases (gnomAD no frequency). This variant has not been reported in the literature in individuals affected with SCN2A-related conditions. Experimental studies and prediction algorithms are not available or were not evaluated, and the functional significance of this variant is currently unknown. In summary, the available evidence is currently insufficient to determine the role of this variant in disease. Therefore, it has been classified as a Variant of Uncertain Significance.